The following is an entry in ClinVar:

ClinVar aggregate classification (germline): Likely pathogenic. Review status: criteria provided, multiple submitters, no conflicts (2 of 4 stars). 2 submissions from 2 submitters: Likely pathogenic (2). Last evaluated 2024-03-11.

Conditions:
DPYD-related disorder. Also called: DPYD-related condition.
Dihydropyrimidine dehydrogenase deficiency (DPYDD). Also called: DPD DEFICIENCY; DPYD DEFICIENCY; Hereditary Thymine-Uraciluria. Identifiers: Orphanet 1675, MedGen C1959620, MONDO:0010130, OMIM 274270.

Submissions (2):

Baylor Genetics
Classification: Likely pathogenic for Dihydropyrimidine dehydrogenase deficiency. Last evaluated: 2024-03-11. Review status: criteria provided, single submitter. Criteria: ACMG Guidelines, 2015. Collection method: clinical testing. Allele origin: unknown.

PreventionGenetics, part of Exact Sciences
Classification: Likely pathogenic for DPYD-related condition. Last evaluated: 2023-03-20. Review status: criteria provided, single submitter. Criteria: ACMG Guidelines, 2015. Collection method: clinical testing. Allele origin: germline.
Comment: The DPYD c.1408C>T variant is predicted to result in premature protein termination (p.Gln470*). To our knowledge, this variant has not been reported in the literature or in a large population database, indicating this variant is rare. Nonsense variants in DPYD are expected to be pathogenic. This variant is interpreted as likely pathogenic.

NM_000110.4(DPYD):c.1408C>T (p.Gln470Ter)

Gene: DPYD (dihydropyrimidine dehydrogenase; minus strand). Cytogenetic location: 1p21.3.
Variant type: single nucleotide variant.
Coding change: c.1408C>T on transcript NM_000110.4 (MANE Select); coding-DNA position 1408, C replaced by T.
Protein change: p.Gln470Ter; replaces glutamine 470 with a stop codon.
Molecular consequence: nonsense.
Genome position (GRCh38, 1-based): chr1:97,549,676, G>A on the plus strand (C>T on the coding strand, the complement: DPYD is on the minus strand). VCF-style: chr1-97549676-G-A. GRCh37 (hg19) VCF-style: chr1-98015232-G-A.
Other names: short protein forms Q470*.
Identifiers: ClinVar variation 2634691 (VCV002634691.2), dbSNP rs2524373926, ClinGen allele CA341377780.
Genomic context (GRCh38, chr1:97,549,676, plus strand): 5'-CTGTAGTGTTAGCCAAACCAACGACATCACCACCTGCAAATACCCATGCTTCACTAGTTT[G>A]CATAGTTTCTGGATCTACTTCTGGGAGACCCCATCTGTTAAATTTTATAGGGCTCAAGGC-3'